The following is an entry in ClinVar:

NM_000245.4(MET):c.301T>C (p.Cys101Arg)

Gene: MET (MET proto-oncogene, receptor tyrosine kinase; plus strand). Cytogenetic location: 7q31.2.
Variant type: single nucleotide variant.
Coding change: c.301T>C on transcript NM_000245.4 (MANE Select); coding-DNA position 301, T replaced by C.
Protein change: p.Cys101Arg; replaces cysteine 101 with arginine.
Molecular consequence: missense variant. On other transcripts: intron variant (1).
Genome position (GRCh38, 1-based): chr7:116,699,385, T>C. VCF-style: chr7-116699385-T-C. GRCh37 (hg19) VCF-style: chr7-116339439-T-C.
Other names: c.301T>C, p.Cys101Arg (NM_001127500.3, NM_001324401.3); c.-91+26808T>C (NM_001324402.2); short protein forms C101R.
Identifiers: ClinVar variation 3232963 (VCV003232963.1), dbSNP rs2485507771, ClinGen allele CA368968774.
Genomic context (GRCh38, chr7:116,699,385, plus strand): 5'-GTTGCTGAGTACAAGACTGGGCCTGTGCTGGAACACCCAGATTGTTTCCCATGTCAGGAC[T>C]GCAGCAGCAAAGCCAATTTATCAGGAGGTGTTTGGAAAGATAACATCAACATGGCTCTAG-3'
Protein context (NP_000236.2, residues 91-111): EHPDCFPCQD[Cys101Arg]SSKANLSGGV

ClinVar aggregate classification (germline): Uncertain significance (1 of 4 stars; one submission).

Conditions:
Hereditary cancer-predisposing syndrome. Also called: Neoplastic Syndromes, Hereditary; Tumor predisposition; Hereditary neoplastic syndrome; Hereditary Cancer Syndrome. Identifiers: Orphanet 140162, MedGen C0027672, MeSH D009386, MONDO:0015356.

Submission:

Ambry Genetics
Classification: Uncertain significance for Hereditary cancer-predisposing syndrome. Last evaluated: 2023-11-10. Review status: criteria provided, single submitter. Criteria: Ambry Variant Classification Scheme 2023. Collection method: clinical testing. Allele origin: germline.
Comment: The p.C101R variant (also known as c.301T>C), located in coding exon 1 of the MET gene, results from a T to C substitution at nucleotide position 301. The cysteine at codon 101 is replaced by arginine, an amino acid with highly dissimilar properties. This amino acid position is conserved. In addition, the in silico prediction for this alteration is inconclusive. Since supporting evidence is limited at this time, the clinical significance of this alteration remains unclear.